The following is an entry in ClinVar:

NM_001388492.1(HTT):c.8903G>A (p.Gly2968Asp)

Gene: HTT (huntingtin; plus strand). Cytogenetic location: 4p16.3.
Variant type: single nucleotide variant.
Coding change: c.8903G>A on transcript NM_001388492.1 (MANE Select); coding-DNA position 8903, G replaced by A.
Protein change: p.Gly2968Asp; replaces glycine 2968 with aspartic acid.
Molecular consequence: missense variant.
Genome position (GRCh38, 1-based): chr4:3,238,458, G>A. VCF-style: chr4-3238458-G-A. GRCh37 (hg19) VCF-style: chr4-3240185-G-A.
Other names: c.8909G>A, p.Gly2970Asp (NM_002111.8); short protein forms G2970D, G2968D.
Identifiers: ClinVar variation 982633 (VCV000982633.2), dbSNP rs1721646894, ClinGen allele CA356075705.

ClinVar aggregate classification (germline): Uncertain significance. Review status: criteria provided, multiple submitters, no conflicts (2 of 4 stars). 2 submissions from 2 submitters: Uncertain significance (2). Last evaluated 2023-03-01.

Conditions:
Huntington disease (HD). Also called: Huntington's chorea; Huntington's disease; HUNTINGTON CHOREA. Identifiers: Orphanet 248111, Orphanet 399, MedGen C0020179, MONDO:0007739, OMIM 143100.
Lopes-Maciel-Rodan syndrome (LOMARS). Identifiers: MedGen C4479491, MONDO:0054573, OMIM 617435.

Submissions (2):

Human Genetics Bochum, Ruhr University Bochum
Classification: Uncertain significance for Lopes-Maciel-Rodan syndrome. Last evaluated: 2023-03-01. Review status: criteria provided, single submitter. Criteria: ACMG Guidelines, 2015. Collection method: clinical testing. Allele origin: germline. Affected: yes.
Comment: ACMG criteria used to clasify this variant: PM3, PP3_MOD, PM2_SUP

Institute of Human Genetics, University of Leipzig Medical Center
Classification: Uncertain significance for Huntington disease. Last evaluated: 2019-01-01. Review status: criteria provided, single submitter. Criteria: ACMG Guidelines, 2015. Collection method: clinical testing. Allele origin: unknown. Affected: yes.